The following is an entry in ClinVar:

NM_006904.7(PRKDC):c.10273C>T (p.Arg3425Cys)

Gene: PRKDC (protein kinase, DNA-activated, catalytic subunit; minus strand). Cytogenetic location: 8q11.21.
Variant type: single nucleotide variant.
Coding change: c.10273C>T on transcript NM_006904.7 (MANE Select); coding-DNA position 10273, C replaced by T.
Protein change: p.Arg3425Cys; replaces arginine 3425 with cysteine.
Molecular consequence: missense variant.
Genome position (GRCh38, 1-based): chr8:47,799,234, G>A on the plus strand (C>T on the coding strand, the complement: PRKDC is on the minus strand). VCF-style: chr8-47799234-G-A. GRCh37 (hg19) VCF-style: chr8-48711795-G-A.
Other names: c.10273C>T, p.Arg3425Cys (NM_001081640.2); short protein forms R3425C.
Identifiers: ClinVar variation 660918 (VCV000660918.3), dbSNP rs1160174249, ClinGen allele CA371135184.

ClinVar aggregate classification (germline): Uncertain significance (1 of 4 stars; one submission).

Conditions:
Severe combined immunodeficiency due to DNA-PKcs deficiency. Also called: IMMUNODEFICIENCY 26 WITH NEUROLOGIC ABNORMALITIES; Immunodeficiency 26 with or without neurologic abnormalities. Identifiers: Orphanet 317425, MedGen C4014833, MONDO:0014423, OMIM 615966.

Allele frequency attached by ClinVar (database versions not stated): gnomAD exomes below 0.00001; gnomAD 0.00001; TOPMed 0.00002.
gnomAD v4.1: 15 of 1,613,540 alleles (0.00093%); highest among the groups gnomAD compares: Middle Eastern, 0.016%; no homozygotes.

Submission:

Labcorp Genetics (formerly Invitae), Labcorp
Classification: Uncertain significance for Severe combined immunodeficiency due to DNA-PKcs deficiency. Last evaluated: 2019-02-23. Review status: criteria provided, single submitter. Criteria: Invitae Variant Classification Sherloc (09022015). Collection method: clinical testing. Allele origin: germline.
Comment: This sequence change replaces arginine with cysteine at codon 3425 of the PRKDC protein (p.Arg3425Cys). The arginine residue is highly conserved and there is a large physicochemical difference between arginine and cysteine. This variant is not present in population databases (ExAC no frequency). This variant has not been reported in the literature in individuals with PRKDC-related conditions. Algorithms developed to predict the effect of missense changes on protein structure and function are either unavailable or do not agree on the potential impact of this missense change (SIFT: Deleterious; PolyPhen-2: Probably Damaging; Align-GVGD: Class C0). In summary, the available evidence is currently insufficient to determine the role of this variant in disease. Therefore, it has been classified as a Variant of Uncertain Significance.